The following is an entry in ClinVar:

ClinVar aggregate classification (germline): Uncertain significance (1 of 4 stars; one submission).

Conditions:
Hereditary cancer-predisposing syndrome. Also called: Tumor predisposition; Hereditary neoplastic syndrome; Hereditary Cancer Syndrome; Neoplastic Syndromes, Hereditary. Identifiers: Orphanet 140162, MedGen C0027672, MeSH D009386, MONDO:0015356.

Allele frequency attached by ClinVar (database versions not stated): TOPMed below 0.00001; gnomAD 0.00001.
gnomAD v4.1: 1 of 1,612,528 alleles (0.000062%); highest among the groups gnomAD compares: Non-Finnish European, 0.000085%; no homozygotes.

Submission:

Ambry Genetics
Classification: Uncertain significance for Hereditary cancer-predisposing syndrome. Last evaluated: 2020-05-06. Review status: criteria provided, single submitter. Criteria: Ambry Variant Classification Scheme 2023. Collection method: clinical testing. Allele origin: germline.
Comment: The p.E111K variant (also known as c.331G>A), located in coding exon 4 of the NBN gene, results from a G to A substitution at nucleotide position 331. The glutamic acid at codon 111 is replaced by lysine, an amino acid with similar properties. This amino acid position is highly conserved in available vertebrate species. In addition, this alteration is predicted to be deleterious by in silico analysis. Since supporting evidence is limited at this time, the clinical significance of this alteration remains unclear.

NM_002485.5(NBN):c.331G>A (p.Glu111Lys)

Gene: NBN (nibrin; minus strand). Cytogenetic location: 8q21.3.
Variant type: single nucleotide variant.
Coding change: c.331G>A on transcript NM_002485.5 (MANE Select); coding-DNA position 331, G replaced by A.
Protein change: p.Glu111Lys; replaces glutamic acid 111 with lysine.
Molecular consequence: missense variant.
Genome position (GRCh38, 1-based): chr8:89,980,883, C>T on the plus strand (G>A on the coding strand, the complement: NBN is on the minus strand). VCF-style: chr8-89980883-C-T. GRCh37 (hg19) VCF-style: chr8-90993111-C-T.
Other names: c.85G>A, p.Glu29Lys (NM_001024688.3); short protein forms E111K, E29K.
Identifiers: ClinVar variation 3222432 (VCV003222432.1), dbSNP rs1306328242, ClinGen allele CA371662144.
Genomic context (GRCh38, chr8:89,980,883, plus strand): 5'-CTTGATTTAAAGCAGTTTTCCCAGAGACATCTAAACAAGAAGAGCATGCAACCAAAGGCT[C>T]ATACTCTATTCTGTAAATGAGAATAAGTTAAATAAAGTCATAGTATCAGAGTTGCAGAGA-3'
Protein context (NP_002476.2, residues 101-121): VFGSKFRIEY[Glu111Lys]PLVACSSCLD